The following is an entry in ClinVar:

ClinVar aggregate classification (germline): Likely benign. Review status: criteria provided, single submitter (1 of 4 stars). 2 submissions from 2 submitters: Likely benign (1). 1 of the submissions does not count toward it. Last evaluated 2024-10-22.

Conditions:
ADAMTS9-related disorder. Also called: ADAMTS9-related condition.

Allele frequency attached by ClinVar (database versions not stated): ExAC 0.00059; gnomAD 0.00188; 1000 Genomes Project 0.00200; TOPMed 0.00221; 1000 Genomes Project 30x 0.00265; ESP Exome Variant Server 0.00269.
gnomAD v4.1: 680 of 1,613,992 alleles (0.042%); highest among the groups gnomAD compares: African/African-American, 0.7%; 1 homozygote.

Submissions (2):

Blueprint Genetics
Classification: Likely benign. Last evaluated: 2024-10-22. Review status: criteria provided, single submitter. Criteria: ACMG Guidelines, 2015. Collection method: clinical testing. Allele origin: germline.

PreventionGenetics, part of Exact Sciences
Classification: Likely benign for ADAMTS9-related condition. Last evaluated: 2019-07-31. Review status: no assertion criteria provided. Collection method: clinical testing. Allele origin: germline. Not counted in ClinVar's aggregate classification.
Comment: This variant is classified as likely benign based on ACMG/AMP sequence variant interpretation guidelines (Richards et al. 2015 PMID: 25741868, with internal and published modifications).

NM_182920.2(ADAMTS9):c.2505C>T (p.Ala835=)

Gene: ADAMTS9 (ADAM metallopeptidase with thrombospondin type 1 motif 9; minus strand). Cytogenetic location: 3p14.1.
Variant type: single nucleotide variant.
Coding change: c.2505C>T on transcript NM_182920.2 (MANE Select); coding-DNA position 2505, C replaced by T.
Protein change: p.Ala835=; no amino-acid change (alanine 835 retained).
Molecular consequence: synonymous variant.
Genome position (GRCh38, 1-based): chr3:64,622,471, G>A on the plus strand (C>T on the coding strand, the complement: ADAMTS9 is on the minus strand). VCF-style: chr3-64622471-G-A. GRCh37 (hg19) VCF-style: chr3-64608147-G-A.
Other names: c.2421C>T, p.Ala807= (NM_001318781.2).
Identifiers: ClinVar variation 3034840 (VCV003034840.3), dbSNP rs142920929, ClinGen allele CA2481177.